The following is an entry in ClinVar:

ClinVar aggregate classification (germline): Conflicting classifications of pathogenicity. Review status: criteria provided, conflicting classifications (1 of 4 stars). 3 submissions from 3 submitters: Uncertain significance (1); Likely benign (2). Last evaluated 2026-09-01.

Conditions:
Eculizumab, poor response to. Identifiers: MedGen C3810402, OMIM 615749.
Complement component 5 deficiency. Also called: C5 DEFICIENCY. Identifiers: MedGen C0343047, MONDO:0012295, OMIM 609536.

Allele frequency attached by ClinVar (database versions not stated): TOPMed 0.00017; gnomAD 0.00019 and 0.00020; gnomAD exomes 0.00024; ExAC 0.00028; ESP Exome Variant Server 0.00031.
gnomAD v4.1: 244 of 1,543,016 alleles (0.016%); highest among the groups gnomAD compares: Non-Finnish European, 0.019%; no homozygotes.

Submissions (3):

CeGaT Center for Human Genetics Tuebingen
Classification: Uncertain significance. Last evaluated: 2026-09-01. Review status: criteria provided, single submitter. Criteria: CeGaT Center For Human Genetics Tuebingen Variant Classification Criteria Version 2. Collection method: clinical testing. Allele origin: germline. Affected: yes. Observed: 2 variant alleles.
Comment: C5: PM2, BP4

Labcorp Genetics (formerly Invitae), Labcorp
Classification: Likely benign. Last evaluated: 2026-02-01. Review status: criteria provided, single submitter. Criteria: Invitae Variant Classification Sherloc (09022015). Collection method: clinical testing. Allele origin: germline.

Fulgent Genetics
Classification: Likely benign for Complement component 5 deficiency; Eculizumab, poor response to. Last evaluated: 2021-08-25. Review status: criteria provided, single submitter. Criteria: ACMG Guidelines, 2015. Collection method: clinical testing. Allele origin: unknown.

NM_001735.3(C5):c.667+8C>G

Gene: C5 (complement C5; minus strand). Cytogenetic location: 9q33.2.
Variant type: single nucleotide variant.
Coding change: c.667+8C>G on transcript NM_001735.3 (MANE Select); 8 bases into the intron after coding-DNA position 667, C replaced by G.
Molecular consequence: intron variant.
Genome position (GRCh38, 1-based): chr9:121,032,105, G>C on the plus strand (C>G on the coding strand, the complement: C5 is on the minus strand). VCF-style: chr9-121032105-G-C. GRCh37 (hg19) VCF-style: chr9-123794383-G-C.
Other names: c.685+8C>G (NM_001317163.2); c.667+8C>G (NM_001317164.2).
Identifiers: ClinVar variation 1658524 (VCV001658524.11), dbSNP rs375251377, ClinGen allele CA5218320.